The following is an entry in ClinVar:

NM_001278293.3(ARL6):c.76G>T (p.Asp26Tyr)

Gene: ARL6 (ARF like GTPase 6; plus strand). Cytogenetic location: 3q11.2.
Variant type: single nucleotide variant.
Coding change: c.76G>T on transcript NM_001278293.3 (MANE Select); coding-DNA position 76, G replaced by T.
Protein change: p.Asp26Tyr; replaces aspartic acid 26 with tyrosine.
Molecular consequence: missense variant. On other transcripts: non-coding transcript variant (7).
Genome position (GRCh38, 1-based): chr3:97,768,183, G>T. VCF-style: chr3-97768183-G-T. GRCh37 (hg19) VCF-style: chr3-97487027-G-T.
Other names: c.76G>T, p.Asp26Tyr (NM_001323513.2, NM_001323514.2, NM_032146.5 and 1 more transcripts); short protein forms D26Y.
Identifiers: ClinVar variation 2940728 (VCV002940728.4), dbSNP rs754773104, ClinGen allele CA2505848.

ClinVar aggregate classification (germline): Uncertain significance. Review status: criteria provided, multiple submitters, no conflicts (2 of 4 stars). 2 submissions from 2 submitters: Uncertain significance (2). Last evaluated 2024-01-04.

Conditions:
Bardet-Biedl syndrome 3 (BBS3). Identifiers: Orphanet 110, MedGen C1859564, MONDO:0010832, OMIM 600151.
Retinitis pigmentosa 55 (RP55). Identifiers: Orphanet 791, MedGen C3150808, MONDO:0013312, OMIM 613575.

Allele frequency attached by ClinVar (database versions not stated): TOPMed below 0.00001; gnomAD exomes 0.00002; ExAC 0.00003.
gnomAD v4.1: 23 of 1,613,064 alleles (0.0014%); highest among the groups gnomAD compares: Non-Finnish European, 0.0019%; no homozygotes.

Submissions (2):

Labcorp Genetics (formerly Invitae), Labcorp
Classification: Uncertain significance for Retinitis pigmentosa 55; Bardet-Biedl syndrome 3. Last evaluated: 2024-01-04. Review status: criteria provided, single submitter. Criteria: Invitae Variant Classification Sherloc (09022015). Collection method: clinical testing. Allele origin: germline.
Comment: This sequence change replaces aspartic acid, which is acidic and polar, with tyrosine, which is neutral and polar, at codon 26 of the ARL6 protein (p.Asp26Tyr). This variant is present in population databases (rs754773104, gnomAD 0.007%). This missense change has been observed in individual(s) with retinitis pigmentosa (Invitae). An algorithm developed to predict the effect of missense changes on protein structure and function (PolyPhen-2) suggests that this variant is likely to be disruptive. In summary, the available evidence is currently insufficient to determine the role of this variant in disease. Therefore, it has been classified as a Variant of Uncertain Significance.

Blueprint Genetics
Classification: Uncertain significance. Last evaluated: 2021-07-21. Review status: criteria provided, single submitter. Criteria: ACMG Guidelines, 2015. Collection method: clinical testing. Allele origin: germline.